The following is an entry in ClinVar:

ClinVar aggregate classification (germline): Uncertain significance (1 of 4 stars; one submission).

Allele frequency attached by ClinVar (database versions not stated): ExAC 0.00001; gnomAD exomes 0.00001; TOPMed 0.00001; gnomAD 0.00003; 1000 Genomes Project 30x 0.00016; 1000 Genomes Project 0.00020.
gnomAD v4.1: 14 of 1,613,968 alleles (0.00087%); highest among the groups gnomAD compares: African/African-American, 0.0053%; no homozygotes.

Submission:

Labcorp Genetics (formerly Invitae), Labcorp
Classification: Uncertain significance. Last evaluated: 2024-03-21. Review status: criteria provided, single submitter. Criteria: Invitae Variant Classification Sherloc (09022015). Collection method: clinical testing. Allele origin: germline.
Comment: This sequence change replaces arginine, which is basic and polar, with tryptophan, which is neutral and slightly polar, at codon 1375 of the POLR1A protein (p.Arg1375Trp). This variant is present in population databases (rs200010177, gnomAD 0.006%). This variant has not been reported in the literature in individuals affected with POLR1A-related conditions. ClinVar contains an entry for this variant (Variation ID: 1920395). Advanced modeling of protein sequence and biophysical properties (such as structural, functional, and spatial information, amino acid conservation, physicochemical variation, residue mobility, and thermodynamic stability) has been performed at Invitae for this missense variant, however the output from this modeling did not meet the statistical confidence thresholds required to predict the impact of this variant on POLR1A protein function. In summary, the available evidence is currently insufficient to determine the role of this variant in disease. Therefore, it has been classified as a Variant of Uncertain Significance.

NM_015425.6(POLR1A):c.4123C>T (p.Arg1375Trp)

Gene: POLR1A (RNA polymerase I subunit A; minus strand). Cytogenetic location: 2p11.2.
Variant type: single nucleotide variant.
Coding change: c.4123C>T on transcript NM_015425.6 (MANE Select); coding-DNA position 4123, C replaced by T.
Protein change: p.Arg1375Trp; replaces arginine 1375 with tryptophan.
Molecular consequence: missense variant.
Genome position (GRCh38, 1-based): chr2:86,033,699, G>A on the plus strand (C>T on the coding strand, the complement: POLR1A is on the minus strand). VCF-style: chr2-86033699-G-A. GRCh37 (hg19) VCF-style: chr2-86260822-G-A.
Other names: short protein forms R1375W.
Identifiers: ClinVar variation 1920395 (VCV001920395.5), dbSNP rs200010177, ClinGen allele CA1745589.